The following is an entry in ClinVar:

NM_001009944.3(PKD1):c.6916-10C>A

Gene: PKD1 (polycystin 1, transient receptor potential channel interacting; minus strand). Cytogenetic location: 16p13.3.
Variant type: single nucleotide variant.
Coding change: c.6916-10C>A on transcript NM_001009944.3 (MANE Select); 10 bases into the intron before coding-DNA position 6916, C replaced by A.
Molecular consequence: intron variant.
Genome position (GRCh38, 1-based): chr16:2,108,042, G>T on the plus strand (C>A on the coding strand, the complement: PKD1 is on the minus strand). VCF-style: chr16-2108042-G-T. GRCh37 (hg19) VCF-style: chr16-2158043-G-T.
Other names: c.6916-10C>A (NM_000296.4).
Identifiers: ClinVar variation 3383031 (VCV003383031.4).

ClinVar aggregate classification (germline): Conflicting classifications of pathogenicity. Review status: criteria provided, conflicting classifications (1 of 4 stars). 3 submissions from 3 submitters: Likely pathogenic (2); Uncertain significance (1). Last evaluated 2025-03-14.

Conditions:
PKD1-Biallelic Autosomal Recessive Polycystic Kidney Disease.
Polycystic kidney disease, adult type (PKD1). Also called: Polycystic Kidney Disease 1, Autosomal Dominant; Polycystic kidney disease 1; Polycystic kidney disease 1, severe; POLYCYSTIC KIDNEY DISEASE 1 WITH OR WITHOUT POLYCYSTIC LIVER DISEASE; Polycystic Kidney, Autosomal Dominant; POLYCYSTIC KIDNEY DISEASE, ADULT, TYPE I. Identifiers: MedGen C3149841, MONDO:0008263, OMIM 173900.

Submissions (3):

Women's Health and Genetics/Laboratory Corporation of America, LabCorp
Classification: Likely pathogenic for PKD1-Biallelic Autosomal Recessive Polycystic Kidney Disease. Last evaluated: 2025-03-14. Review status: criteria provided, single submitter. Criteria: LabCorp Variant Classification Summary - May 2015. Collection method: clinical testing. Allele origin: germline.
Comment: Variant summary: PKD1 c.6916-10C>A alters a non-conserved nucleotide located at a position not widely known to affect splicing. Several computational tools predict a significant impact on normal splicing: Three predict the variant weakens a 3' acceptor site. One predict the variant no significant impact on splicing. At least one publication reports experimental evidence that this variant affects mRNA splicing (Rossetti_2007). The variant was absent in 166728 control chromosomes. c.6916-10C>A has been reported in the literature in an individual affected with PKD1- Autosomal dominant Polycystic Kidney Disease (Rossetti_2007). The following publication have been ascertained in the context of this evaluation (PMID: 17582161). ClinVar contains an entry for this variant (Variation ID: 3383031). Based on the evidence outlined above, the variant was classified as likely pathogenic.

MVZ Medizinische Genetik Mainz
Classification: Likely pathogenic for Polycystic kidney disease, adult type. Last evaluated: 2024-05-08. Review status: criteria provided, single submitter. Criteria: UK Practice Guidelines For Variant Classification V4 01 2020. Collection method: clinical testing. Allele origin: germline. Inheritance: Autosomal dominant inheritance. Affected: yes. Observed: 1 variant allele.
Comment: ACMG Criteria: PS3_MOD,PS4_SUP,PM2_SUP,PP3,PP4

Juno Genomics, Hangzhou Juno Genomics, Inc
Classification: Uncertain significance for Polycystic kidney disease, adult type. Review status: criteria provided, single submitter. Criteria: ACMG Guidelines, 2015. Collection method: clinical testing. Allele origin: germline. Affected: yes.
Comment: Absent from controls (or at extremely low frequency if recessive) in Genome Aggregation Database, Exome Sequencing Project, 1000 Genomes Project, or Exome Aggregation Consortium.;Multiple lines of computational evidence support a deleterious effect on the gene or gene product (conservation, evolutionary, splicing impact, etc).;The prevalence of the variant in affected individuals is significantly increased compared to the prevalence in controls.;Patient's phenotype or family history is highly specific for a disease with a single genetic etiology.

Literature cited by the submitters: PubMed 17582161 (cited by Women's Health and Genetics/Laboratory Corporation of America, LabCorp).